The following is an entry in ClinVar:

NM_003242.6(TGFBR2):c.1702T>G (p.Ter568Glu)

Gene: TGFBR2 (transforming growth factor beta receptor 2; plus strand). Cytogenetic location: 3p24.1.
Variant type: single nucleotide variant.
Coding change: c.1702T>G on transcript NM_003242.6 (MANE Select); coding-DNA position 1702, T replaced by G.
Protein change: p.Ter568Glu.
Molecular consequence: stop lost.
Genome position (GRCh38, 1-based): chr3:30,691,597, T>G. VCF-style: chr3-30691597-T-G. GRCh37 (hg19) VCF-style: chr3-30733089-T-G.
Other names: c.1777T>G, p.Ter593Glu (NM_001024847.3); c.1885T>G, p.Ter629Glu (NM_001407126.1); c.1810T>G, p.Ter604Glu (NM_001407127.1); c.1729T>G, p.Ter577Glu (NM_001407128.1); c.1705T>G, p.Ter569Glu (NM_001407129.1); c.1699T>G, p.Ter567Glu (NM_001407130.1); c.1597T>G, p.Ter533Glu (NM_001407132.1, NM_001407133.1, NM_001407134.1 and 2 more transcripts); c.1417T>G, p.Ter473Glu (NM_001407137.1); and 2 more.
Identifiers: ClinVar variation 3722557 (VCV003722557.2).

ClinVar aggregate classification (germline): Uncertain significance (1 of 4 stars; one submission).

Conditions:
Familial thoracic aortic aneurysm and aortic dissection (TAAD). Also called: Thoracic aortic aneurysms and dissections. Identifiers: Orphanet 91387, MedGen C4707243, MONDO:0019625.

Submission:

Labcorp Genetics (formerly Invitae), Labcorp
Classification: Uncertain significance for Familial thoracic aortic aneurysm and aortic dissection. Last evaluated: 2025-08-25. Review status: criteria provided, single submitter. Criteria: Invitae Variant Classification Sherloc (09022015). Collection method: clinical testing. Allele origin: germline.
Comment: This sequence change disrupts the translational stop signal of the TGFBR2 mRNA. It is expected to extend the length of the TGFBR2 protein by 27 additional amino acid residues. This variant is not present in population databases (gnomAD no frequency). This variant has not been reported in the literature in individuals affected with TGFBR2-related conditions. ClinVar contains an entry for this variant (Variation ID: 3722557). Experimental studies and prediction algorithms are not available or were not evaluated, and the functional significance of this variant is currently unknown. In summary, the available evidence is currently insufficient to determine the role of this variant in disease. Therefore, it has been classified as a Variant of Uncertain Significance.